The following is an entry in ClinVar:

ClinVar aggregate classification (germline): Pathogenic. Review status: criteria provided, multiple submitters, no conflicts (2 of 4 stars). 3 submissions from 3 submitters: Pathogenic (2). 1 of the submissions does not count toward it. Last evaluated 2023-11-30.

Conditions:
Adult onset neurodegenerative disorder.
GRN-related frontotemporal lobar degeneration with Tdp43 inclusions (FTD2). Also called: DEMENTIA, HEREDITARY DYSPHASIC DISINHIBITION; FRONTOTEMPORAL LOBAR DEGENERATION WITH UBIQUITIN-POSITIVE INCLUSIONS; FTLD-TDP, GRN-RELATED; FRONTOTEMPORAL DEMENTIA WITH TDP43 INCLUSIONS, GRN-RELATED; GRN Frontotemporal Dementia. Identifiers: Orphanet 100070, Orphanet 282, MedGen C1843792, MONDO:0011842, OMIM 607485. Disease mechanism: loss of function.

Submissions (3):

Cambridge Genomics Laboratory, East Genomic Laboratory Hub, NHS Genomic Medicine Service
Classification: Pathogenic for Adult onset neurodegenerative disorder. Last evaluated: 2023-11-30. Review status: criteria provided, single submitter. Criteria: ACGS Best Practice Guidelines for Variant Classification in Rare Disease 2020. Collection method: clinical testing. Allele origin: germline. Affected: yes.
Comment: The p.Cys31Leufs*35 variant is novel (not in any individuals) in gnomAD All. The p.Cys31Leufs*35 variant is novel (not in any individuals) in 1kG All. The p.Cys31Leufs*35 variant is novel (not in any individuals) in gnomAD Genomes v3 All. (PM2 - Moderate) | This variant is a frameshift variant which occurs in an exon of GRN upstream of where nonsense mediated decay is predicted to occur. There are 80 downstream pathogenic loss of function variants, with the furthest variant being 489 residues downstream of this variant. This indicates that the region is critical to protein function. The p.Cys31Leufs*35 variant is a loss of function variant in the gene GRN, which is intolerant of Loss of Function variants, as indicated by the presence of existing pathogenic loss of function variant NP_002078.1:p.M1V and 72 others. (PVS1 - Very Strong)

Victorian Clinical Genetics Services, Murdoch Childrens Research Institute
Classification: Pathogenic for GRN-related frontotemporal lobar degeneration with Tdp43 inclusions. Last evaluated: 2020-10-19. Review status: criteria provided, single submitter. Criteria: ACMG Guidelines, 2015. Collection method: clinical testing. Allele origin: germline. Inheritance: Autosomal dominant inheritance.
Comment: Based on the classification scheme VCGS_Germline_v1.3.4, this variant is classified as Pathogenic. Following criteria are met: 0102 - Loss of function is a known mechanism of disease in this gene and is associated with ceroid lipofuscinosis, neuronal, 11 (MIM#614706), primary progressive aphasia (MIM#607485) and frontotemporal lobar degeneration with ubiquitin-positive inclusions (FTD) (MIM#607485). (I) 0108 - This gene is associated with both recessive and dominant disease. Autosomal recessive ceroid lipofuscinosis, neuronal, 11 is very rare. This condition, autosomal dominant primary progressive aphasia and FTD has been reported in patients with missense variants and those resulting in premature termination codons (OMIM). (I) 0112 - The condition associated with this gene has incomplete penetrance, where penetrance varies depending on age (OMIM, GeneReviews). (I) 0115 - Variants in this gene are known to have variable expressivity (OMIM, GeneReviews). (I) 0201 - Variant is predicted to cause nonsense-mediated decay (NMD) and loss of protein (premature termination codon is located at least 54 nucleotides upstream of the final exon-exon junction). (SP) 0251 - This variant is heterozygous. (I) 0301 - Variant is absent from gnomAD (both v2 and v3). (SP) 0701 - Other NMD-predicted variants comparable to the one identified in this case have very strong previous evidence for pathogenicity. These variants have been reported in patients with FTD (Decipher). (SP) 0801 - This variant has strong previous evidence of pathogenicity in unrelated individuals. This variant has been reported as pathogenic, and observed in many families with FTD (LOVD, ClinVar, PMID: 31914217, PMID: 31810826). (SP) 1208 - Inheritance information for this variant is not currently available in this individual. (I) Legend: (SP) - Supporting pathogenic, (I) - Information, (SB) - Supporting benign

VIB  Department of Molecular Genetics, University of Antwerp
No classification provided. Review status: no classification provided. Collection method: not provided. Allele origin: not provided. Not counted in ClinVar's aggregate classification.

Literature cited by the submitters: PubMed 31810826 (cited by Victorian Clinical Genetics Services, Murdoch Childrens Research Institute); PubMed 31914217 (cited by Victorian Clinical Genetics Services, Murdoch Childrens Research Institute).

NM_002087.4(GRN):c.87_90dup (p.Cys31fs)

Gene: GRN (granulin precursor; plus strand). Cytogenetic location: 17q21.31.
Variant type: Duplication.
Coding change: c.87_90dup on transcript NM_002087.4 (MANE Select); coding-DNA positions 87 to 90, 4 bases duplicated (CTGC; older notation c.87_90dupCTGC).
Protein change: p.Cys31fs; shifts the reading frame from cysteine 31.
Molecular consequence: frameshift variant.
Genome position (GRCh38, 1-based): chr17:44,349,251-44,349,254, CTGC duplicated; duplicating any 4 consecutive bases within chr17:44,349,249-44,349,254 gives the same sequence; the c. name uses the placement nearest the transcript's 3' end. VCF-style (leftmost placement, unchanged base first): chr17-44349248-G-GGCCT. GRCh37 (hg19) VCF-style: chr17-42426616-G-GGCCT.
Other names: c.87_90dupCTGC (NM_002087.2); short protein forms C31fs.
Identifiers: ClinVar variation 98122 (VCV000098122.3), dbSNP rs63751057, ClinGen allele CA225205.